The following is an entry in ClinVar:

ClinVar aggregate classification (germline): Uncertain significance (1 of 4 stars; one submission).

gnomAD v4.1: 1 of 1,614,022 alleles (0.000062%); highest among the groups gnomAD compares: Non-Finnish European, 0.000085%; no homozygotes.

Submission:

Ambry Genetics
Classification: Uncertain significance. Last evaluated: 2025-10-02. Review status: criteria provided, single submitter. Criteria: Ambry Variant Classification Scheme 2023. Collection method: clinical testing. Allele origin: germline.
Comment: The p.R370H variant (also known as c.1109G>A), located in coding exon 3 of the EGLN1 gene, results from a G to A substitution at nucleotide position 1109. The arginine at codon 370 is replaced by histidine, an amino acid with highly similar properties. This amino acid position is highly conserved in available vertebrate species. In addition, the in silico prediction for this alteration is inconclusive. The evidence for this gene-disease relationship is limited; therefore, the clinical significance of this alteration is unclear.

NM_022051.3(EGLN1):c.1109G>A (p.Arg370His)

Gene: EGLN1 (egl-9 family hypoxia inducible factor 1; minus strand). Cytogenetic location: 1q42.2.
Variant type: single nucleotide variant.
Coding change: c.1109G>A on transcript NM_022051.3 (MANE Select); coding-DNA position 1109, G replaced by A.
Protein change: p.Arg370His; replaces arginine 370 with histidine.
Molecular consequence: missense variant. On other transcripts: intron variant (1).
Genome position (GRCh38, 1-based): chr1:231,370,601, C>T on the plus strand (G>A on the coding strand, the complement: EGLN1 is on the minus strand). VCF-style: chr1-231370601-C-T. GRCh37 (hg19) VCF-style: chr1-231506347-C-T.
Other names: c.1109G>A, p.Arg370His (NM_001377260.1); c.1012-2965G>A (NM_001377261.1); short protein forms R370H.
Identifiers: ClinVar variation 4663401 (VCV004663401.1).